The following is an entry in ClinVar:

NM_025074.7(FRAS1):c.5788A>G (p.Ile1930Val)

Gene: FRAS1 (Fraser extracellular matrix complex subunit 1; plus strand). Cytogenetic location: 4q21.21.
Variant type: single nucleotide variant.
Coding change: c.5788A>G on transcript NM_025074.7 (MANE Select); coding-DNA position 5788, A replaced by G.
Protein change: p.Ile1930Val; replaces isoleucine 1930 with valine.
Molecular consequence: missense variant.
Genome position (GRCh38, 1-based): chr4:78,445,644, A>G. VCF-style: chr4-78445644-A-G. GRCh37 (hg19) VCF-style: chr4-79366798-A-G.
Other names: c.5788A>G, p.Ile1930Val (NM_001166133.2); short protein forms I1930V.
Identifiers: ClinVar variation 349727 (VCV000349727.10), dbSNP rs373432682, ClinGen allele CA2977605.

ClinVar aggregate classification (germline): Uncertain significance. Review status: criteria provided, multiple submitters, no conflicts (2 of 4 stars). 4 submissions from 4 submitters: Uncertain significance (4). Last evaluated 2024-10-10.

Conditions:
Inborn genetic diseases. Identifiers: MedGen C0950123, MeSH D030342.
Fraser syndrome 1 (FRASRS1). Also called: CRYPTOPHTHALMOS WITH OTHER MALFORMATIONS. Identifiers: Orphanet 2052, MedGen C4551480, MONDO:0054737, OMIM 219000.

Allele frequency attached by ClinVar (database versions not stated): gnomAD 0.00003 and 0.00004; ExAC 0.00005; gnomAD exomes 0.00005 and 0.00006; TOPMed 0.00006; ESP Exome Variant Server 0.00017.
gnomAD v4.1: 87 of 1,613,740 alleles (0.0054%); highest among the groups gnomAD compares: Non-Finnish European, 0.0047%; no homozygotes.

Submissions (4):

Labcorp Genetics (formerly Invitae), Labcorp
Classification: Uncertain significance. Last evaluated: 2024-10-10. Review status: criteria provided, single submitter. Criteria: Invitae Variant Classification Sherloc (09022015). Collection method: clinical testing. Allele origin: germline.
Comment: This sequence change replaces isoleucine, which is neutral and non-polar, with valine, which is neutral and non-polar, at codon 1930 of the FRAS1 protein (p.Ile1930Val). This variant is present in population databases (rs373432682, gnomAD 0.09%). This variant has not been reported in the literature in individuals affected with FRAS1-related conditions. ClinVar contains an entry for this variant (Variation ID: 349727). Invitae Evidence Modeling of protein sequence and biophysical properties (such as structural, functional, and spatial information, amino acid conservation, physicochemical variation, residue mobility, and thermodynamic stability) indicates that this missense variant is not expected to disrupt FRAS1 protein function with a negative predictive value of 80%. In summary, the available evidence is currently insufficient to determine the role of this variant in disease. Therefore, it has been classified as a Variant of Uncertain Significance.

Fulgent Genetics
Classification: Uncertain significance for Fraser syndrome 1. Last evaluated: 2022-04-04. Review status: criteria provided, single submitter. Criteria: ACMG Guidelines, 2015. Collection method: clinical testing. Allele origin: unknown.

Ambry Genetics
Classification: Uncertain significance for Inborn genetic diseases. Last evaluated: 2021-08-09. Review status: criteria provided, single submitter. Criteria: Ambry Variant Classification Scheme 2023. Collection method: clinical testing. Allele origin: germline.

Illumina Laboratory Services, Illumina
Classification: Uncertain significance for Fraser syndrome 1. Last evaluated: 2018-01-12. Review status: criteria provided, single submitter. Criteria: ICSL Variant Classification Criteria 13 December 2019. Collection method: clinical testing. Allele origin: germline.